The following is an entry in ClinVar:

ClinVar aggregate classification (germline): Likely benign (0 of 4 stars; one submission).

Conditions:
TRAF7-related disorder. Also called: TRAF7-related condition.

Allele frequency attached by ClinVar (database versions not stated): gnomAD exomes 0.00007; ExAC 0.00021; gnomAD 0.00056; ESP Exome Variant Server 0.00062; TOPMed 0.00076; 1000 Genomes Project 0.00080; 1000 Genomes Project 30x 0.00094.
gnomAD v4.1: 183 of 1,606,052 alleles (0.011%); highest among the groups gnomAD compares: African/African-American, 0.22%; no homozygotes.

Submission:

PreventionGenetics, part of Exact Sciences
Classification: Likely benign for TRAF7-related condition. Last evaluated: 2022-01-31. Review status: no assertion criteria provided. Collection method: clinical testing. Allele origin: germline.
Comment: This variant is classified as likely benign based on ACMG/AMP sequence variant interpretation guidelines (Richards et al. 2015 PMID: 25741868, with internal and published modifications).

NM_032271.3(TRAF7):c.1872C>T (p.Ser624=)

Gene: TRAF7 (TNF receptor associated factor 7; plus strand). Cytogenetic location: 16p13.3.
Variant type: single nucleotide variant.
Coding change: c.1872C>T on transcript NM_032271.3 (MANE Select); coding-DNA position 1872, C replaced by T.
Protein change: p.Ser624=; no amino-acid change (serine 624 retained).
Molecular consequence: synonymous variant.
Genome position (GRCh38, 1-based): chr16:2,176,174, C>T. VCF-style: chr16-2176174-C-T. GRCh37 (hg19) VCF-style: chr16-2226175-C-T.
Identifiers: ClinVar variation 3054586 (VCV003054586.2), dbSNP rs142534945, ClinGen allele CA7835136.